The following is an entry in ClinVar:

NC_000023.10:g.(?_152770090)_(152773903_?)del

Gene: BGN (biglycan; plus strand). Cytogenetic location: Xq28.
Variant type: Deletion.
Identifiers: ClinVar variation 2424221 (VCV002424221.3).

ClinVar aggregate classification (germline): Uncertain significance (1 of 4 stars; one submission).

Submission:

Labcorp Genetics (formerly Invitae), Labcorp
Classification: Uncertain significance. Last evaluated: 2022-09-06. Review status: criteria provided, single submitter. Criteria: Invitae Variant Classification Sherloc (09022015). Collection method: clinical testing. Allele origin: germline.
Comment: A gross deletion of the genomic region encompassing the full coding sequence of the BGN gene has been identified. The current clinical and genetic evidence is not sufficient to establish whether loss-of-function variants in BGN cause disease. The boundaries of this event are unknown as they extend beyond the assayed region for this gene and therefore may encompass additional genes. This variant has not been reported in the literature in individuals affected with BGN-related conditions. In summary, the available evidence is currently insufficient to determine the role of this variant in disease. Therefore, it has been classified as a Variant of Uncertain Significance.